The following is an entry in ClinVar:

NM_198576.4(AGRN):c.667dup (p.Leu223fs)

Genes: AGRN (agrin; plus strand), LOC129929077 (ATAC-STARR-seq lymphoblastoid silent region 23; plus strand). Cytogenetic location: 1p36.33.
Variant type: Duplication.
Coding change: c.667dup on transcript NM_198576.4 (MANE Select); coding-DNA position 667, one base duplicated (C; older notation c.667dupC).
Protein change: p.Leu223fs; shifts the reading frame from leucine 223.
Molecular consequence: frameshift variant.
Genome position (GRCh38, 1-based): chr1:1,040,820, C duplicated. VCF-style (leftmost placement, unchanged base first): chr1-1040819-G-GC. GRCh37 (hg19) VCF-style: chr1-976199-G-GC.
Other names: c.667dup, p.Leu223fs (NM_001305275.2); c.352dup, p.Leu118fs (NM_001364727.2); short protein forms L223fs, L118fs.
Identifiers: ClinVar variation 970311 (VCV000970311.9), dbSNP rs1644909838, ClinGen allele CA1139655449.

ClinVar aggregate classification (germline): Pathogenic/Likely pathogenic. Review status: criteria provided, multiple submitters, no conflicts (2 of 4 stars). 2 submissions from 2 submitters: Pathogenic (1); Likely pathogenic (1). Last evaluated 2023-12-02.

Conditions:
Congenital myasthenic syndrome 8. Also called: MYASTHENIC SYNDROME, CONGENITAL, DUE TO AGRIN DEFICIENCY; Myasthenic syndrome, congenital, 8, with pre- and postsynaptic defects. Identifiers: Orphanet 590, MedGen C3808739, MONDO:0014052, OMIM 615120.

Allele frequency attached by ClinVar (database versions not stated): gnomAD exomes below 0.00001.

Submissions (2):

Labcorp Genetics (formerly Invitae), Labcorp
Classification: Pathogenic for Congenital myasthenic syndrome 8. Last evaluated: 2023-12-02. Review status: criteria provided, single submitter. Criteria: Invitae Variant Classification Sherloc (09022015). Collection method: clinical testing. Allele origin: germline.
Comment: This sequence change creates a premature translational stop signal (p.Leu223Profs*96) in the AGRN gene. It is expected to result in an absent or disrupted protein product. Loss-of-function variants in AGRN are known to be pathogenic (PMID: 24951643). This variant is not present in population databases (gnomAD no frequency). This variant has not been reported in the literature in individuals affected with AGRN-related conditions. ClinVar contains an entry for this variant (Variation ID: 970311). For these reasons, this variant has been classified as Pathogenic.

Revvity Omics, Revvity
Classification: Likely pathogenic for Congenital myasthenic syndrome 8. Last evaluated: 2022-10-19. Review status: criteria provided, single submitter. Criteria: ACMG Guidelines, 2015. Collection method: clinical testing. Allele origin: germline.

Literature cited by the submitters: PubMed 24951643 (cited by Labcorp Genetics (formerly Invitae), Labcorp).